The following is an entry in ClinVar:

ClinVar aggregate classification (germline): Uncertain significance (1 of 4 stars; one submission).

Conditions:
Menke-Hennekam syndrome 1 (MKHK1). Identifiers: MedGen C5193034, MONDO:0020763, OMIM 618332.

Submission:

Neuberg Centre For Genomic Medicine, NCGM
Classification: Uncertain significance for Menke-Hennekam syndrome 1. Last evaluated: 2024-02-01. Review status: criteria provided, single submitter. Criteria: ACMG Guidelines, 2015. Collection method: clinical testing. Allele origin: germline. Inheritance: Autosomal dominant inheritance.
Comment: The above variant has not been reported previously in affected individuals, to our knowledge. Loss of function has not been established. However since this variant is present in the last exon functional studies will be required to prove protein truncation. For these reasons, this variant has been classified as Variant of Uncertain Significance (VUS).

NM_004380.3(CREBBP):c.6515_6517del (p.Asn2172del)

Gene: CREBBP (CREB binding lysine acetyltransferase; minus strand). Cytogenetic location: 16p13.3.
Variant type: Deletion.
Coding change: c.6515_6517del on transcript NM_004380.3 (MANE Select); coding-DNA positions 6515 to 6517, 3 bases deleted (ACA; older notation c.6515_6517delACA).
Protein change: p.Asn2172del; deletes asparagine 2172.
Molecular consequence: inframe deletion.
Genome position (GRCh38, 1-based): chr16:3,728,530-3,728,532, TGT deleted on the plus strand (ACA on the coding strand, the reverse complement: CREBBP is on the minus strand); deleting any 3 consecutive bases within chr16:3,728,530-3,728,533 gives the same sequence; the c. name uses the placement nearest the transcript's 3' end. VCF-style (leftmost placement, unchanged base first): chr16-3728529-ATGT-A. GRCh37 (hg19) VCF-style: chr16-3778530-ATGT-A.
Other names: c.6401_6403del, p.Asn2134del (NM_001079846.1); short protein forms N2134del, N2172del.
Identifiers: ClinVar variation 3898011 (VCV003898011.1).
Genomic context (GRCh38, chr16:3,728,529, plus strand): 5'-AACATTTCTCGGTACTGTGGATTCATACTCGCCATGTTGGGGTTGTGTCCTGGGTTCATG[ATGT>A]TCAAGGCCTGGCCCTGGGGGTTCAGGCCTCCCATCGCCTGCTGCTGTGGAGGCACACCGG-3'